The following is an entry in ClinVar:

NM_032608.7(MYO18B):c.1322G>A (p.Arg441His)

Gene: MYO18B (myosin XVIIIB; plus strand). Cytogenetic location: 22q12.1.
Variant type: single nucleotide variant.
Coding change: c.1322G>A on transcript NM_032608.7 (MANE Select); coding-DNA position 1322, G replaced by A.
Protein change: p.Arg441His; replaces arginine 441 with histidine.
Molecular consequence: missense variant.
Genome position (GRCh38, 1-based): chr22:25,769,238, G>A. VCF-style: chr22-25769238-G-A. GRCh37 (hg19) VCF-style: chr22-26165205-G-A.
Other names: c.1322G>A (NM_032608.5); c.1322G>A, p.Arg441His (NM_001318245.2); short protein forms R441H.
Identifiers: ClinVar variation 1379462 (VCV001379462.6), dbSNP rs200457838, ClinGen allele CA10159805.

ClinVar aggregate classification (germline): Conflicting classifications of pathogenicity. Review status: criteria provided, conflicting classifications (1 of 4 stars). 3 submissions from 3 submitters: Uncertain significance (2); Likely benign (1). Last evaluated 2024-09-06.

Conditions:
Inborn genetic diseases. Identifiers: MedGen C0950123, MeSH D030342.

Allele frequency attached by ClinVar (database versions not stated): ESP Exome Variant Server 0.00016; 1000 Genomes Project 0.00020; TOPMed 0.00021; gnomAD 0.00024; gnomAD exomes 0.00026 and 0.00057; 1000 Genomes Project 30x 0.00047; ExAC 0.00047.
gnomAD v4.1: 876 of 1,599,132 alleles (0.055%); highest among the groups gnomAD compares: Non-Finnish European, 0.066%; 1 homozygote.

Submissions (3):

Blueprint Genetics
Classification: Likely benign. Last evaluated: 2024-09-06. Review status: criteria provided, single submitter. Criteria: ACMG Guidelines, 2015. Collection method: clinical testing. Allele origin: germline.

Ambry Genetics
Classification: Uncertain significance for Inborn genetic diseases. Last evaluated: 2024-06-26. Review status: criteria provided, single submitter. Criteria: Ambry Variant Classification Scheme 2023. Collection method: clinical testing. Allele origin: germline.

Labcorp Genetics (formerly Invitae), Labcorp
Classification: Uncertain significance. Last evaluated: 2022-09-01. Review status: criteria provided, single submitter. Criteria: Invitae Variant Classification Sherloc (09022015). Collection method: clinical testing. Allele origin: germline.
Comment: This sequence change replaces arginine, which is basic and polar, with histidine, which is basic and polar, at codon 441 of the MYO18B protein (p.Arg441His). This variant is present in population databases (rs200457838, gnomAD 0.04%). This variant has not been reported in the literature in individuals affected with MYO18B-related conditions. ClinVar contains an entry for this variant (Variation ID: 1379462). Algorithms developed to predict the effect of missense changes on protein structure and function are either unavailable or do not agree on the potential impact of this missense change (SIFT: "Not Available"; PolyPhen-2: "Possibly Damaging"; Align-GVGD: "Not Available"). In summary, the available evidence is currently insufficient to determine the role of this variant in disease. Therefore, it has been classified as a Variant of Uncertain Significance.